The following is an entry in ClinVar:

NM_015214.3(DDHD2):c.1359_1365delinsC (p.Ala454_Pro455del)

Gene: DDHD2 (DDHD domain containing 2; plus strand). Cytogenetic location: 8p11.23.
Variant type: Indel.
Coding change: c.1359_1365delinsC on transcript NM_015214.3 (MANE Select); coding-DNA positions 1359 to 1365, AGCCCCG replaced by C.
Protein change: p.Ala454_Pro455del.
Molecular consequence: inframe deletion. On other transcripts: non-coding transcript variant (2).
Genome position (GRCh38, 1-based): chr8:38,251,926-38,251,932, AGCCCCG replaced by C. VCF-style: chr8-38251926-AGCCCCG-C. GRCh37 (hg19) VCF-style: chr8-38109444-AGCCCCG-C.
Other names: c.1359_1365delinsC, p.Ala454_Pro455del (NM_001164232.2, NM_001362911.2, NM_001362912.2 and 1 more transcripts); c.1269_1275delinsC, p.Ala424_Pro425del (NM_001362913.2).
Identifiers: ClinVar variation 649103 (VCV000649103.5), dbSNP rs1585749613, ClinGen allele CA915945654.

ClinVar aggregate classification (germline): Uncertain significance (1 of 4 stars; one submission).

Conditions:
Hereditary spastic paraplegia 54. Also called: Spastic paraplegia 54, autosomal recessive. Identifiers: Orphanet 320380, MedGen C3539495, MONDO:0014018, OMIM 615033.

Submission:

Labcorp Genetics (formerly Invitae), Labcorp
Classification: Uncertain significance for Hereditary spastic paraplegia 54. Last evaluated: 2022-06-04. Review status: criteria provided, single submitter. Criteria: Invitae Variant Classification Sherloc (09022015). Collection method: clinical testing. Allele origin: germline.
Comment: This variant is present in population databases (rs772518954, gnomAD 0.0009%). This variant, c.1359_1365delinsC , is a complex sequence change that results in the deletion of 2 amino acid(s) in the DDHD2 protein (p.Ala454_Pro455del). This variant has not been reported in the literature in individuals affected with DDHD2-related conditions. Experimental studies and prediction algorithms are not available or were not evaluated, and the functional significance of this variant is currently unknown. In summary, the available evidence is currently insufficient to determine the role of this variant in disease. Therefore, it has been classified as a Variant of Uncertain Significance.